The following is an entry in ClinVar:

ClinVar aggregate classification (germline): Uncertain significance (1 of 4 stars; one submission).

Submission:

Labcorp Genetics (formerly Invitae), Labcorp
Classification: Uncertain significance. Last evaluated: 2024-03-19. Review status: criteria provided, single submitter. Criteria: Invitae Variant Classification Sherloc (09022015). Collection method: clinical testing. Allele origin: germline.
Comment: This sequence change replaces valine, which is neutral and non-polar, with isoleucine, which is neutral and non-polar, at codon 2641 of the DCHS1 protein (p.Val2641Ile). This variant is not present in population databases (gnomAD no frequency). This variant has not been reported in the literature in individuals affected with DCHS1-related conditions. Advanced modeling of protein sequence and biophysical properties (such as structural, functional, and spatial information, amino acid conservation, physicochemical variation, residue mobility, and thermodynamic stability) performed at Invitae indicates that this missense variant is not expected to disrupt DCHS1 protein function with a negative predictive value of 80%. In summary, the available evidence is currently insufficient to determine the role of this variant in disease. Therefore, it has been classified as a Variant of Uncertain Significance.

NM_003737.4(DCHS1):c.7921G>A (p.Val2641Ile)

Gene: DCHS1 (dachsous cadherin-related 1; minus strand). Cytogenetic location: 11p15.4.
Variant type: single nucleotide variant.
Coding change: c.7921G>A on transcript NM_003737.4 (MANE Select); coding-DNA position 7921, G replaced by A.
Protein change: p.Val2641Ile; replaces valine 2641 with isoleucine.
Molecular consequence: missense variant.
Genome position (GRCh38, 1-based): chr11:6,623,755, C>T on the plus strand (G>A on the coding strand, the complement: DCHS1 is on the minus strand). VCF-style: chr11-6623755-C-T. GRCh37 (hg19) VCF-style: chr11-6644986-C-T.
Other names: short protein forms V2641I.
Identifiers: ClinVar variation 3646850 (VCV003646850.2).